The following is an entry in ClinVar:

ClinVar aggregate classification (germline): Likely pathogenic (1 of 4 stars; one submission).

Conditions:
Noonan syndrome 2 (NS2). Identifiers: Orphanet 648, MedGen C1854469, MONDO:0011531, OMIM 605275.

Submission:

Juno Genomics, Hangzhou Juno Genomics, Inc
Classification: Likely pathogenic for Noonan syndrome 2. Review status: criteria provided, single submitter. Criteria: ACMG Guidelines, 2015. Collection method: clinical testing. Allele origin: germline.
Comment: Null variant in a gene where loss of function (LOF) is a known mechanism of disease.;Absent from controls (or at extremely low frequency if recessive) in Genome Aggregation Database.

NM_006767.4(LZTR1):c.1993del (p.Glu665fs)

Gene: LZTR1 (leucine zipper like post translational regulator 1; plus strand). Cytogenetic location: 22q11.21.
Variant type: Deletion.
Coding change: c.1993del on transcript NM_006767.4 (MANE Select); coding-DNA position 1993, one base deleted (G; older notation c.1993delG).
Protein change: p.Glu665fs; shifts the reading frame from glutamic acid 665.
Molecular consequence: frameshift variant.
Genome position (GRCh38, 1-based): chr22:20,995,796, G deleted; the last of 2 consecutive G bases (chr22:20,995,795-20,995,796); deleting either gives the same sequence. VCF-style (leftmost placement, unchanged base first): chr22-20995794-CG-C. GRCh37 (hg19) VCF-style: chr22-21350083-CG-C.
Other names: short protein forms E665fs.
Identifiers: ClinVar variation 5006462 (VCV005006462.2).
Genomic context (GRCh38, chr22:20,995,794, plus strand): 5'-TCCTACCCCCAGGCACATCTCTGATCCAGGACATGAAGGCATACCTGGAGGGAGCGGGCG[CG>C]GAATTCTGTGACATCACTCTGTTGCTTGACGGGCACCCACGGCCAGCCCACAAGGCTATC-3'